The following is an entry in ClinVar:

NM_001379500.1(COL18A1):c.2797T>C (p.Phe933Leu)

Genes: COL18A1 (collagen type XVIII alpha 1 chain; plus strand), SLC19A1 (solute carrier family 19 member 1; minus strand). Cytogenetic location: 21q22.3.
Variant type: single nucleotide variant.
Coding change: c.2797T>C on transcript NM_001379500.1 (MANE Select); coding-DNA position 2797, T replaced by C.
Protein change: p.Phe933Leu; replaces phenylalanine 933 with leucine.
Molecular consequence: missense variant.
Genome position (GRCh38, 1-based): chr21:45,504,485, T>C. VCF-style: chr21-45504485-T-C. GRCh37 (hg19) VCF-style: chr21-46924399-T-C.
Other names: c.3337T>C, p.Phe1113Leu (NM_030582.4); c.4042T>C, p.Phe1348Leu (NM_130444.3); short protein forms F1113L, F1348L, F933L.
Identifiers: ClinVar variation 1714794 (VCV001714794.3), dbSNP rs2517782826, ClinGen allele CA410499226.
Genomic context (GRCh38, chr21:45,504,485, plus strand): 5'-GGAGACCGAGGTGATGCAGGACAGAAAGGCGAAAGGGGGGAGCCCGGGGGCGGCGGTTTC[T>C]TCGGCTCCAGCCTGCCCGGCCCCCCCGGCCCCCCAGGCCCCCCAGGCCCACGTGGCTACC-3'
Protein context (NP_001366429.1, residues 923-943): ERGEPGGGGF[Phe933Leu]GSSLPGPPGP

ClinVar aggregate classification (germline): Uncertain significance (1 of 4 stars; one submission).

Submission:

Labcorp Genetics (formerly Invitae), Labcorp
Classification: Uncertain significance. Last evaluated: 2022-08-02. Review status: criteria provided, single submitter. Criteria: Invitae Variant Classification Sherloc (09022015). Collection method: clinical testing. Allele origin: germline.
Comment: This sequence change replaces phenylalanine, which is neutral and non-polar, with leucine, which is neutral and non-polar, at codon 933 of the COL18A1 protein (p.Phe933Leu). This variant is not present in population databases (gnomAD no frequency). This variant has not been reported in the literature in individuals affected with COL18A1-related conditions. Experimental studies and prediction algorithms are not available or were not evaluated, and the functional significance of this variant is currently unknown. In summary, the available evidence is currently insufficient to determine the role of this variant in disease. Therefore, it has been classified as a Variant of Uncertain Significance.